The following is an entry in ClinVar:

ClinVar aggregate classification (germline): Uncertain significance. Review status: criteria provided, multiple submitters, no conflicts (2 of 4 stars). 7 submissions from 7 submitters: Uncertain significance (6). 1 of the submissions does not count toward it. Last evaluated 2025-12-08.

Conditions:
Familial hypercholesterolemia. Also called: Familial hypercholesterolemias; Familial hypercholesterolaemia. Identifiers: MedGen C0020445, MONDO:0005439.
Cardiovascular phenotype. Identifiers: MedGen CN230736.
Hypercholesterolemia, familial, 4 (FHCL4). Also called: HYPERCHOLESTEROLEMIA, AUTOSOMAL RECESSIVE, 1; HYPERCHOLESTEROLEMIA, AUTOSOMAL RECESSIVE, 2. Identifiers: Orphanet 391665, MedGen C1863512, MONDO:0011374, OMIM 603813.

Allele frequency attached by ClinVar (database versions not stated): gnomAD 0.00003 and 0.00004; gnomAD exomes 0.00004; TOPMed 0.00005; ExAC 0.00006; ESP Exome Variant Server 0.00015.
gnomAD v4.1: 159 of 1,613,846 alleles (0.0099%); highest among the groups gnomAD compares: East Asian, 0.013%; no homozygotes.

Submissions (7):

Ambry Genetics
Classification: Uncertain significance for Cardiovascular phenotype. Last evaluated: 2025-12-08. Review status: criteria provided, single submitter. Criteria: Ambry Variant Classification Scheme 2023. Collection method: clinical testing. Allele origin: germline.
Comment: The p.T38M variant (also known as c.113C>T), located in coding exon 2 of the LDLRAP1 gene, results from a C to T substitution at nucleotide position 113. The threonine at codon 38 is replaced by methionine, an amino acid with similar properties. This alteration has been reported in a dyslipidemia cohort; however, clinical details were limited (Dron JS et al. BMC Med Genomics, 2020 02;13:23). This amino acid position is highly conserved in available vertebrate species. In addition, the in silico prediction for this alteration is inconclusive. Based on the available evidence, the clinical significance of this variant remains unclear.

CeGaT Center for Human Genetics Tuebingen
Classification: Uncertain significance. Last evaluated: 2024-11-01. Review status: criteria provided, single submitter. Criteria: CeGaT Center For Human Genetics Tuebingen Variant Classification Criteria Version 2. Collection method: clinical testing. Allele origin: germline. Affected: yes. Observed: 1 variant allele.

Genome-Nilou Lab
Classification: Uncertain significance for Hypercholesterolemia, familial, 4. Last evaluated: 2023-04-11. Review status: criteria provided, single submitter. Criteria: ACMG Guidelines, 2015. Collection method: clinical testing. Allele origin: germline. Affected: no.

Labcorp Genetics (formerly Invitae), Labcorp
Classification: Uncertain significance for Hypercholesterolemia, familial, 4. Last evaluated: 2021-08-28. Review status: criteria provided, single submitter. Criteria: Invitae Variant Classification Sherloc (09022015). Collection method: clinical testing. Allele origin: germline.
Comment: This sequence change replaces threonine with methionine at codon 38 of the LDLRAP1 protein (p.Thr38Met). The threonine residue is highly conserved and there is a moderate physicochemical difference between threonine and methionine. This variant is present in population databases (rs142139501, ExAC 0.009%). This variant has not been reported in the literature in individuals affected with LDLRAP1-related conditions. Algorithms developed to predict the effect of missense changes on protein structure and function are either unavailable or do not agree on the potential impact of this missense change (SIFT: "Deleterious"; PolyPhen-2: "Probably Damaging"; Align-GVGD: "Class C0"). In summary, the available evidence is currently insufficient to determine the role of this variant in disease. Therefore, it has been classified as a Variant of Uncertain Significance.

Fulgent Genetics
Classification: Uncertain significance for Hypercholesterolemia, familial, 4. Last evaluated: 2021-08-23. Review status: criteria provided, single submitter. Criteria: ACMG Guidelines, 2015. Collection method: clinical testing. Allele origin: unknown.

Breakthrough Genomics
Classification: Uncertain significance. Review status: criteria provided, single submitter. Criteria: ACMG Guidelines, 2015. Collection method: not provided. Allele origin: germline. Inheritance: Autosomal recessive inheritance. Affected: yes.

Natera, Inc.
Classification: Uncertain significance for Familial hypercholesterolemia. Last evaluated: 2020-03-20. Review status: no assertion criteria provided. Collection method: clinical testing. Allele origin: germline. Not counted in ClinVar's aggregate classification.

Literature cited by the submitters: PubMed 32041611 (cited by Ambry Genetics).

NM_015627.3(LDLRAP1):c.113C>T (p.Thr38Met)

Gene: LDLRAP1 (low density lipoprotein receptor adaptor protein 1; plus strand). Cytogenetic location: 1p36.11.
Variant type: single nucleotide variant.
Coding change: c.113C>T on transcript NM_015627.3 (MANE Select); coding-DNA position 113, C replaced by T.
Protein change: p.Thr38Met; replaces threonine 38 with methionine.
Molecular consequence: missense variant.
Genome position (GRCh38, 1-based): chr1:25,553,946, C>T. VCF-style: chr1-25553946-C-T. GRCh37 (hg19) VCF-style: chr1-25880437-C-T.
Other names: short protein forms T38M.
Identifiers: ClinVar variation 965092 (VCV000965092.23), dbSNP rs142139501, ClinGen allele CA695437.
Genomic context (GRCh38, chr1:25,553,946, plus strand): 5'-CCGCAGGGTCTGAGGGCCTACCCTGTGCTACCCCAGAGCTGCCTGAGAACTGGACAGACA[C>T]GCGGGAGACGCTGCTGGAGGGGATGCTGTTCAGCCTCAAGTACCTGGGCATGACGCTAGT-3'
Protein context (NP_056442.2, residues 28-48): HRKLPENWTD[Thr38Met]RETLLEGMLF